The following is an entry in ClinVar:

NM_000548.5(TSC2):c.1102C>G (p.Leu368Val)

Gene: TSC2 (TSC complex subunit 2; plus strand). Cytogenetic location: 16p13.3.
Variant type: single nucleotide variant.
Coding change: c.1102C>G on transcript NM_000548.5 (MANE Select); coding-DNA position 1102, C replaced by G.
Protein change: p.Leu368Val; replaces leucine 368 with valine.
Molecular consequence: missense variant. On other transcripts: non-coding transcript variant (5), 5 prime UTR variant (10).
Genome position (GRCh38, 1-based): chr16:2,060,796, C>G. VCF-style: chr16-2060796-C-G. GRCh37 (hg19) VCF-style: chr16-2110797-C-G.
Other names: c.1102C>G, p.Leu368Val (NM_021055.3, NM_001077183.3, NM_001114382.3 and 6 more transcripts); c.-330C>G (NM_001406691.1, NM_001406692.1, NM_001406693.1 and 4 more transcripts); c.-211C>G (NM_001406694.1, NM_001406695.1); c.-506C>G (NM_001406698.1); c.991C>G, p.Leu331Val (NM_001318827.2, NM_001406670.1, NM_001406678.1); c.955C>G, p.Leu319Val (NM_001318829.2, NM_001406675.1, NM_001406676.1 and 1 more transcripts); c.502C>G, p.Leu168Val (NM_001318831.2, NM_001406680.1, NM_001406682.1 and 6 more transcripts); c.1135C>G, p.Leu379Val (NM_001318832.2); and 4 more; short protein forms L168V, L214V, L319V, L331V, L349V, L364V, L368V, L379V.
Identifiers: ClinVar variation 4758937 (VCV004758937.1).
Genomic context (GRCh38, chr16:2,060,796, plus strand): 5'-AAGTATAGGAAGGAGCTCCAGGTGGTGGCGTGGGACATTCTGCTGAACATCATCGAACGG[C>G]TCCTTCAGCAGCTCCAGGTGGGGTGGGGGCAGGAGCTCCGGGGAGCACCGGGAACCCAGA-3'
Protein context (NP_000539.2, residues 358-378): WDILLNIIER[Leu368Val]LQQLQTLDSP

ClinVar aggregate classification (germline): Uncertain significance (1 of 4 stars; one submission).

Conditions:
Tuberous sclerosis syndrome (TSC). Also called: Tuberous Sclerosis Complex; Tuberous sclerosis. Identifiers: Orphanet 805, MedGen C0041341, MONDO:0001734.

Submission:

Color Diagnostics, LLC DBA Color Health
Classification: Uncertain significance for Tuberous sclerosis syndrome. Last evaluated: 2025-07-08. Review status: criteria provided, single submitter. Criteria: ACMG Guidelines, 2015. Collection method: clinical testing. Allele origin: germline.
Comment: This missense variant replaces leucine with valine at codon 368 of the TSC2 protein. Computational prediction suggests that this variant may not impact protein structure and function. To our knowledge, functional studies have not been reported for this variant. This variant has not been reported in individuals affected with TSC2-related disorders in the literature. This variant has not been identified in the general population by the Genome Aggregation Database (gnomAD). The available evidence is insufficient to determine the role of this variant in disease conclusively. Therefore, this variant is classified as a Variant of Uncertain Significance.